The following is an entry in ClinVar:

ClinVar aggregate classification (germline): Uncertain significance (1 of 4 stars; one submission).

gnomAD v4.1: 1 of 1,291,410 alleles (0.000077%); highest among the groups gnomAD compares: Non-Finnish European, 0.000097%; no homozygotes.

Submission:

GeneDx
Classification: Uncertain significance. Last evaluated: 2026-04-21. Review status: criteria provided, single submitter. Criteria: GeneDx Variant Classification Process June 2021. Collection method: clinical testing. Allele origin: germline.
Comment: Not observed at significant frequency in large population cohorts (gnomAD); In silico analysis suggests that this missense variant does not alter protein structure/function; Has not been previously published as pathogenic or benign to our knowledge

NM_021096.4(CACNA1I):c.6203G>C (p.Ser2068Thr)

Gene: CACNA1I (calcium voltage-gated channel subunit alpha1 I; plus strand). Cytogenetic location: 22q13.1.
Variant type: single nucleotide variant.
Coding change: c.6203G>C on transcript NM_021096.4 (MANE Select); coding-DNA position 6203, G replaced by C.
Protein change: p.Ser2068Thr; replaces serine 2068 with threonine.
Molecular consequence: missense variant.
Genome position (GRCh38, 1-based): chr22:39,685,936, G>C. VCF-style: chr22-39685936-G-C. GRCh37 (hg19) VCF-style: chr22-40081941-G-C.
Other names: c.6098G>C, p.Ser2033Thr (NM_001003406.2); short protein forms S2033T, S2068T.
Identifiers: ClinVar variation 5037334 (VCV005037334.1).